The following is an entry in ClinVar:

ClinVar aggregate classification (germline): Likely pathogenic (1 of 4 stars; one submission).

Conditions:
Neurodevelopmental disorder with microcephaly, short stature, and speech delay (NEDMISS). Identifiers: MedGen C5774211, MONDO:0859285, OMIM 620027.

Submission:

Clinical Genomics Laboratory, Washington University in St. Louis
Classification: Likely pathogenic for Neurodevelopmental disorder with microcephaly, short stature, and speech delay. Last evaluated: 2024-05-16. Review status: criteria provided, single submitter. Criteria: ACMG Guidelines, 2015. Collection method: clinical testing. Allele origin: germline. Affected: yes.
Comment: The TRAPPC10 c.1300+1G>A variant, to our knowledge, has not been reported in the medical literature. This variant is absent from the general population (gnomAD v.2.1.1), indicating it is not a common variant. This variant occurs within the canonical splice donor site, which is predicted to cause skipping of the exon, leading to an out of frame transcript. Based on available information and the ACMG/AMP guidelines for variant interpretation (Richards S et al., PMID: 25741868), this variant is classified as likely pathogenic.

NM_003274.5(TRAPPC10):c.1300+1G>A

Gene: TRAPPC10 (trafficking protein particle complex subunit 10; plus strand). Cytogenetic location: 21q22.3.
Variant type: single nucleotide variant.
Coding change: c.1300+1G>A on transcript NM_003274.5 (MANE Select); the canonical splice donor site of the intron after coding-DNA position 1300, G replaced by A.
Molecular consequence: splice donor variant.
Genome position (GRCh38, 1-based): chr21:44,075,154, G>A. VCF-style: chr21-44075154-G-A. GRCh37 (hg19) VCF-style: chr21-45495035-G-A.
Other names: c.-205+1G>A (NM_001351709.1).
Identifiers: ClinVar variation 3600370 (VCV003600370.1).
Genomic context (GRCh38, chr21:44,075,154, plus strand): 5'-AAGATCTCAACAGGACAGTTGACCTTTTGGCAGGTTTGGGAGCTGAGCGACCAGAAACAG[G>A]TACTTTTTTGTATATACCTGTGTGAGTGGTGAGGTGGACAGTAATGAAAATGTCCTTTGC-3'